The following is an entry in ClinVar:

ClinVar aggregate classification (germline): Uncertain significance (1 of 4 stars; one submission).

gnomAD v4.1: 1 of 1,209,330 alleles (0.000083%); highest among the groups gnomAD compares: Non-Finnish European, 0.00011%; no homozygotes.

Submission:

Ambry Genetics
Classification: Uncertain significance. Last evaluated: 2026-05-20. Review status: criteria provided, single submitter. Criteria: Ambry Variant Classification Scheme 2023. Collection method: clinical testing. Allele origin: germline.
Comment: The c.976C>T (p.L326F) alteration is located in exon 5 (coding exon 4) of the CCNB3 gene. This alteration results from a C to T substitution at nucleotide position 976, causing the leucine (L) at amino acid position 326 to be replaced by a phenylalanine (F). Based on data from gnomAD, the T allele has an overall frequency of 0.001% (2/204641) total alleles studied. The highest observed frequency was 0.002% (2/92357) of European (non-Finnish) alleles. Based on insufficient or conflicting evidence, the clinical significance of this alteration remains unclear.

NM_033031.3(CCNB3):c.976C>T (p.Leu326Phe)

Gene: CCNB3 (cyclin B3; plus strand). Cytogenetic location: Xp11.22.
Variant type: single nucleotide variant.
Coding change: c.976C>T on transcript NM_033031.3 (MANE Select); coding-DNA position 976, C replaced by T.
Protein change: p.Leu326Phe; replaces leucine 326 with phenylalanine.
Molecular consequence: missense variant. On other transcripts: intron variant (1).
Genome position (GRCh38, 1-based): chrX:50,309,145, C>T. VCF-style: chrX-50309145-C-T. GRCh37 (hg19) VCF-style: chrX-50052145-C-T.
Other names: c.204+20258C>T (NM_033670.4); short protein forms L326F.
Identifiers: ClinVar variation 4868316 (VCV004868316.1).